The following is an entry in ClinVar:

NM_001111125.3(IQSEC2):c.4145A>T (p.Lys1382Ile)

Gene: IQSEC2 (IQ motif and Sec7 domain ArfGEF 2; minus strand). Cytogenetic location: Xp11.22.
Variant type: single nucleotide variant.
Coding change: c.4145A>T on transcript NM_001111125.3 (MANE Select); coding-DNA position 4145, A replaced by T.
Protein change: p.Lys1382Ile; replaces lysine 1382 with isoleucine.
Molecular consequence: missense variant. On other transcripts: 3 prime UTR variant (1).
Genome position (GRCh38, 1-based): chrX:53,234,541, T>A on the plus strand (A>T on the coding strand, the complement: IQSEC2 is on the minus strand). VCF-style: chrX-53234541-T-A. GRCh37 (hg19) VCF-style: chrX-53263723-T-A.
Other names: c.*630A>T (NM_015075.2); short protein forms K1382I.
Identifiers: ClinVar variation 1518618 (VCV001518618.6), dbSNP rs2074095926, ClinGen allele CA413139344.

ClinVar aggregate classification (germline): Uncertain significance (1 of 4 stars; one submission).

Conditions:
Intellectual developmental disorder, X-linked 1. Also called: Intellectual disability, X-linked 1; Atkin Flaitz Patil Smith syndrome; MENTAL RETARDATION, X-LINKED 18; MENTAL RETARDATION, X-LINKED 78. Identifiers: Orphanet 777, MedGen C2931498, MONDO:0010656, OMIM 309530.

Allele frequency attached by ClinVar (database versions not stated): gnomAD exomes below 0.00001.
gnomAD v4.1: 1 of 1,106,216 alleles (0.00009%); highest among the groups gnomAD compares: Non-Finnish European, 0.00012%; no homozygotes.

Submission:

Labcorp Genetics (formerly Invitae), Labcorp
Classification: Uncertain significance for Intellectual developmental disorder, X-linked 1. Last evaluated: 2021-09-21. Review status: criteria provided, single submitter. Criteria: Invitae Variant Classification Sherloc (09022015). Collection method: clinical testing. Allele origin: germline.
Comment: This sequence change replaces lysine with isoleucine at codon 1382 of the IQSEC2 protein (p.Lys1382Ile). The lysine residue is weakly conserved and there is a moderate physicochemical difference between lysine and isoleucine. The frequency data for this variant in the population databases is considered unreliable, as metrics indicate insufficient coverage at this position in the ExAC database. This variant has not been reported in the literature in individuals affected with IQSEC2-related conditions. Advanced modeling of protein sequence and biophysical properties (such as structural, functional, and spatial information, amino acid conservation, physicochemical variation, residue mobility, and thermodynamic stability) performed at Invitae indicates that this missense variant is not expected to disrupt IQSEC2 protein function. In summary, the available evidence is currently insufficient to determine the role of this variant in disease. Therefore, it has been classified as a Variant of Uncertain Significance.